The following is an entry in ClinVar:

ClinVar aggregate classification (germline): Conflicting classifications of pathogenicity. Review status: criteria provided, conflicting classifications (1 of 4 stars). 3 submissions from 2 submitters: Uncertain significance (1); Likely benign (2). Last evaluated 2024-10-26.

Conditions:
Alzheimer disease 3 (AD3). Also called: ALZHEIMER DISEASE, FAMILIAL, 3. Identifiers: Orphanet 1020, MedGen C1843013, MONDO:0011913, OMIM 607822.
Dilated cardiomyopathy 1U. Identifiers: Orphanet 154, MedGen C3160720, MONDO:0013371, OMIM 613694.
PSEN1-related disorder. Also called: PSEN1-related condition.

Allele frequency attached by ClinVar (database versions not stated): TOPMed 0.00006; ESP Exome Variant Server 0.00008.
gnomAD v4.1: 28 of 1,608,112 alleles (0.0017%); highest among the groups gnomAD compares: African/African-American, 0.004%; no homozygotes.

Submissions (3):

PreventionGenetics, part of Exact Sciences
Classification: Likely benign for PSEN1-related condition. Last evaluated: 2024-10-26. Review status: criteria provided, single submitter. Criteria: ACMG Guidelines, 2015. Collection method: clinical testing. Allele origin: germline.
Comment: This variant is classified as likely benign based on ACMG/AMP sequence variant interpretation guidelines (Richards et al. 2015 PMID: 25741868, with internal and published modifications).

Illumina Laboratory Services, Illumina
Classification: Uncertain significance for Dilated cardiomyopathy 1U. Last evaluated: 2017-04-27. Review status: criteria provided, single submitter. Criteria: ICSL Variant Classification Criteria 13 December 2019. Collection method: clinical testing. Allele origin: germline.

Illumina Laboratory Services, Illumina
Classification: Likely benign for Alzheimer disease 3. Last evaluated: 2017-04-27. Review status: criteria provided, single submitter. Criteria: ICSL Variant Classification Criteria 13 December 2019. Collection method: clinical testing. Allele origin: germline.
Comment: This variant was observed as part of a predisposition screen in an ostensibly healthy population. A literature search was performed for the gene, cDNA change, and amino acid change (where applicable). No publications were found based on this search. Allele frequency data from public databases allowed determination this variant is unlikely to cause disease. Therefore, this variant is classified as likely benign.

NM_000021.4(PSEN1):c.843G>A (p.Thr281=)

Gene: PSEN1 (presenilin 1; plus strand). Cytogenetic location: 14q24.2.
Variant type: single nucleotide variant.
Coding change: c.843G>A on transcript NM_000021.4 (MANE Select); coding-DNA position 843, G replaced by A.
Protein change: p.Thr281=; no amino-acid change (threonine 281 retained).
Molecular consequence: synonymous variant.
Genome position (GRCh38, 1-based): chr14:73,198,104, G>A. VCF-style: chr14-73198104-G-A. GRCh37 (hg19) VCF-style: chr14-73664812-G-A.
Other names: c.831G>A, p.Thr277= (NM_007318.3).
Identifiers: ClinVar variation 884412 (VCV000884412.5), dbSNP rs186495252, ClinGen allele CA7256834.